The following is an entry in ClinVar:

ClinVar aggregate classification (germline): Uncertain significance (1 of 4 stars; one submission).

Conditions:
Autoimmune lymphoproliferative syndrome, type III caused by mutation in PRKCD. Identifiers: Orphanet 3261, Orphanet 664711, MedGen C3809928, MONDO:8000024, OMIM 615559.

Allele frequency attached by ClinVar (database versions not stated): gnomAD 0.00001 and 0.00002; TOPMed 0.00002; gnomAD exomes 0.00001.
gnomAD v4.1: 11 of 1,613,988 alleles (0.00068%); highest among the groups gnomAD compares: South Asian, 0.0022%; no homozygotes.

Submission:

Labcorp Genetics (formerly Invitae), Labcorp
Classification: Uncertain significance for Autoimmune lymphoproliferative syndrome, type III caused by mutation in PRKCD. Last evaluated: 2021-01-21. Review status: criteria provided, single submitter. Criteria: Invitae Variant Classification Sherloc (09022015). Collection method: clinical testing. Allele origin: germline.
Comment: In summary, the available evidence is currently insufficient to determine the role of this variant in disease. Therefore, it has been classified as a Variant of Uncertain Significance. Algorithms developed to predict the effect of missense changes on protein structure and function (SIFT, PolyPhen-2, Align-GVGD) all suggest that this variant is likely to be disruptive, but these predictions have not been confirmed by published functional studies and their clinical significance is uncertain. This variant has not been reported in the literature in individuals with PRKCD-related conditions. This variant is not present in population databases (ExAC no frequency). This sequence change replaces threonine with alanine at codon 218 of the PRKCD protein (p.Thr218Ala). The threonine residue is highly conserved and there is a small physicochemical difference between threonine and alanine.

NM_006254.4(PRKCD):c.652A>G (p.Thr218Ala)

Gene: PRKCD (protein kinase C delta; plus strand). Cytogenetic location: 3p21.1.
Variant type: single nucleotide variant.
Coding change: c.652A>G on transcript NM_006254.4 (MANE Select); coding-DNA position 652, A replaced by G.
Protein change: p.Thr218Ala; replaces threonine 218 with alanine.
Molecular consequence: missense variant.
Genome position (GRCh38, 1-based): chr3:53,183,201, A>G. VCF-style: chr3-53183201-A-G. GRCh37 (hg19) VCF-style: chr3-53217217-A-G.
Other names: c.652A>G, p.Thr218Ala (NM_001316327.2, NM_001354679.2, NM_001354680.2 and 1 more transcripts); c.709A>G, p.Thr237Ala (NM_001354676.2); c.700A>G, p.Thr234Ala (NM_001354678.2); short protein forms T218A, T234A, T237A.
Identifiers: ClinVar variation 949602 (VCV000949602.5), dbSNP rs1311722771, ClinGen allele CA353219884.